The following is an entry in ClinVar:

NM_021942.6(TRAPPC11):c.1450C>T (p.Arg484Trp)

Gene: TRAPPC11 (trafficking protein particle complex subunit 11; plus strand). Cytogenetic location: 4q35.1.
Variant type: single nucleotide variant.
Coding change: c.1450C>T on transcript NM_021942.6 (MANE Select); coding-DNA position 1450, C replaced by T.
Protein change: p.Arg484Trp; replaces arginine 484 with tryptophan.
Molecular consequence: missense variant.
Genome position (GRCh38, 1-based): chr4:183,684,724, C>T. VCF-style: chr4-183684724-C-T. GRCh37 (hg19) VCF-style: chr4-184605877-C-T.
Other names: c.1450C>T, p.Arg484Trp (NM_199053.3); c.1450C>T (NM_021942.5); short protein forms R484W.
Identifiers: ClinVar variation 2146588 (VCV002146588.3), dbSNP rs745311754, ClinGen allele CA3151931.

ClinVar aggregate classification (germline): Uncertain significance. Review status: criteria provided, multiple submitters, no conflicts (2 of 4 stars). 2 submissions from 2 submitters: Uncertain significance (2). Last evaluated 2024-12-17.

Conditions:
Autosomal recessive limb-girdle muscular dystrophy type R18 (LGMDR18). Also called: Limb-girdle muscular dystrophy, type 2S; MUSCULAR DYSTROPHY, LIMB-GIRDLE, AUTOSOMAL RECESSIVE 18; Autosomal recessive limb-girdle muscular dystrophy type 2S. Identifiers: Orphanet 369840, MedGen C4517996, MONDO:0014144, OMIM 615356.

Allele frequency attached by ClinVar (database versions not stated): ExAC 0.00002; gnomAD 0.00007; gnomAD exomes 0.00002; TOPMed 0.00007.
gnomAD v4.1: 40 of 1,613,752 alleles (0.0025%); highest among the groups gnomAD compares: Admixed American, 0.013%; no homozygotes.

Submissions (2):

GeneDx
Classification: Uncertain significance. Last evaluated: 2024-12-17. Review status: criteria provided, single submitter. Criteria: GeneDx Variant Classification Process June 2021. Collection method: clinical testing. Allele origin: germline. Affected: yes.
Comment: Not observed at significant frequency in large population cohorts (gnomAD); In silico analysis supports that this missense variant has a deleterious effect on protein structure/function; Has not been previously published as pathogenic or benign to our knowledge

Labcorp Genetics (formerly Invitae), Labcorp
Classification: Uncertain significance for Autosomal recessive limb-girdle muscular dystrophy type R18. Last evaluated: 2022-08-28. Review status: criteria provided, single submitter. Criteria: Invitae Variant Classification Sherloc (09022015). Collection method: clinical testing. Allele origin: germline.
Comment: In summary, the available evidence is currently insufficient to determine the role of this variant in disease. Therefore, it has been classified as a Variant of Uncertain Significance. Algorithms developed to predict the effect of missense changes on protein structure and function are either unavailable or do not agree on the potential impact of this missense change (SIFT: "Deleterious"; PolyPhen-2: "Probably Damaging"; Align-GVGD: "Class C0"). This variant has not been reported in the literature in individuals affected with TRAPPC11-related conditions. This variant is present in population databases (rs745311754, gnomAD 0.005%). This sequence change replaces arginine, which is basic and polar, with tryptophan, which is neutral and slightly polar, at codon 484 of the TRAPPC11 protein (p.Arg484Trp).